The following is an entry in ClinVar:

ClinVar aggregate classification (germline): Uncertain significance (1 of 4 stars; one submission).

Conditions:
Alstrom syndrome (ALMS). Identifiers: Orphanet 64, MedGen C0268425, MONDO:0008763, OMIM 203800.

Allele frequency attached by ClinVar (database versions not stated): TOPMed below 0.00001.
gnomAD v4.1: 2 of 1,614,010 alleles (0.00012%); highest among the groups gnomAD compares: Non-Finnish European, 0.00017%; no homozygotes.

Submission:

Labcorp Genetics (formerly Invitae), Labcorp
Classification: Uncertain significance for Alstrom syndrome. Last evaluated: 2022-02-21. Review status: criteria provided, single submitter. Criteria: Invitae Variant Classification Sherloc (09022015). Collection method: clinical testing. Allele origin: germline.
Comment: This sequence change replaces threonine, which is neutral and polar, with alanine, which is neutral and non-polar, at codon 3539 of the ALMS1 protein (p.Thr3539Ala). This variant is not present in population databases (gnomAD no frequency). This variant has not been reported in the literature in individuals affected with ALMS1-related conditions. Algorithms developed to predict the effect of missense changes on protein structure and function output the following: SIFT: "Not Available"; PolyPhen-2: "Not Available"; Align-GVGD: "Not Available". The alanine amino acid residue is found in multiple mammalian species, which suggests that this missense change does not adversely affect protein function. In summary, the available evidence is currently insufficient to determine the role of this variant in disease. Therefore, it has been classified as a Variant of Uncertain Significance.

NM_001378454.1(ALMS1):c.10612A>G (p.Thr3538Ala)

Gene: ALMS1 (ALMS1 centrosome and basal body associated protein; plus strand). Cytogenetic location: 2p13.1.
Variant type: single nucleotide variant.
Coding change: c.10612A>G on transcript NM_001378454.1 (MANE Select); coding-DNA position 10612, A replaced by G.
Protein change: p.Thr3538Ala; replaces threonine 3538 with alanine.
Molecular consequence: missense variant.
Genome position (GRCh38, 1-based): chr2:73,572,489, A>G. VCF-style: chr2-73572489-A-G. GRCh37 (hg19) VCF-style: chr2-73799616-A-G.
Other names: c.10615A>G, p.Thr3539Ala (NM_015120.4); short protein forms T3538A, T3539A.
Identifiers: ClinVar variation 1381717 (VCV001381717.5), dbSNP rs1225039531, ClinGen allele CA347284156.